The following is an entry in ClinVar:

NM_152383.5(DIS3L2):c.1924-1G>T

Gene: DIS3L2 (DIS3 like 3'-5' exoribonuclease 2; plus strand). Cytogenetic location: 2q37.1.
Variant type: single nucleotide variant.
Coding change: c.1924-1G>T on transcript NM_152383.5 (MANE Select); the canonical splice acceptor site of the intron before coding-DNA position 1924, G replaced by T.
Molecular consequence: splice acceptor variant. On other transcripts: intron variant (1).
Genome position (GRCh38, 1-based): chr2:232,330,689, G>T. VCF-style: chr2-232330689-G-T. GRCh37 (hg19) VCF-style: chr2-233195399-G-T.
Other names: c.1582-12656G>T (NM_001257281.2).
Identifiers: ClinVar variation 653373 (VCV000653373.7), dbSNP rs1201265438, ClinGen allele CA350976449.

ClinVar aggregate classification (germline): Likely pathogenic (1 of 4 stars; one submission).

Conditions:
Perlman syndrome (PRLMNS). Identifiers: Orphanet 2849, MedGen C0796113, MONDO:0009965, OMIM 267000.

Submission:

Labcorp Genetics (formerly Invitae), Labcorp
Classification: Likely pathogenic for Perlman syndrome. Last evaluated: 2018-10-30. Review status: criteria provided, single submitter. Criteria: Invitae Variant Classification Sherloc (09022015). Collection method: clinical testing. Allele origin: germline.
Comment: Donor and acceptor splice site variants typically lead to a loss of protein function (PMID: 16199547), and loss-of-function variants in DIS3L2 are known to be pathogenic (PMID: 22306653). Algorithms developed to predict the effect of sequence changes on RNA splicing suggest that this variant may disrupt the consensus splice site, but this prediction has not been confirmed by published transcriptional studies. This variant has not been reported in the literature in individuals with DIS3L2-related disease. This variant is not present in population databases (ExAC no frequency). This sequence change affects an acceptor splice site in intron 15 of the DIS3L2 gene. It is expected to disrupt RNA splicing and likely results in an absent or disrupted protein product. In summary, the currently available evidence indicates that the variant is pathogenic, but additional data are needed to prove that conclusively. Therefore, this variant has been classified as Likely Pathogenic.

Literature cited by the submitters: PubMed 16199547; PubMed 22306653.